The following is an entry in ClinVar:

ClinVar aggregate classification (germline): Uncertain significance. Review status: criteria provided, multiple submitters, no conflicts (2 of 4 stars). 4 submissions from 4 submitters: Uncertain significance (4). Last evaluated 2025-08-11.

Conditions:
Hereditary cancer-predisposing syndrome. Also called: Neoplastic Syndromes, Hereditary; Hereditary neoplastic syndrome; Hereditary Cancer Syndrome; Tumor predisposition. Identifiers: Orphanet 140162, MedGen C0027672, MeSH D009386, MONDO:0015356.
Familial cancer of breast. Also called: BREAST CANCER, FAMILIAL; hereditary breast carcinoma; Hereditary breast cancer. Identifiers: Orphanet 227535, MedGen C0346153, MONDO:0016419, OMIM 114480. Disease mechanism: loss of function.

Allele frequency attached by ClinVar (database versions not stated): gnomAD 0.00001; TOPMed 0.00001.
gnomAD v4.1: 2 of 1,613,742 alleles (0.00012%); highest among the groups gnomAD compares: African/African-American, 0.0027%; no homozygotes.

Submissions (4):

Labcorp Genetics (formerly Invitae), Labcorp
Classification: Uncertain significance for Familial cancer of breast. Last evaluated: 2025-08-11. Review status: criteria provided, single submitter. Criteria: Invitae Variant Classification Sherloc (09022015). Collection method: clinical testing. Allele origin: germline.
Comment: This sequence change replaces glycine, which is neutral and non-polar, with tryptophan, which is neutral and slightly polar, at codon 400 of the CHEK2 protein (p.Gly400Trp). This variant is present in population databases (no rsID available, gnomAD 0.01%). This variant has not been reported in the literature in individuals affected with CHEK2-related conditions. ClinVar contains an entry for this variant (Variation ID: 449214). An algorithm developed to predict the effect of missense changes on protein structure and function (PolyPhen-2) suggests that this variant is likely to be disruptive. In summary, the available evidence is currently insufficient to determine the role of this variant in disease. Therefore, it has been classified as a Variant of Uncertain Significance.

Ambry Genetics
Classification: Uncertain significance for Hereditary cancer-predisposing syndrome. Last evaluated: 2025-01-30. Review status: criteria provided, single submitter. Criteria: Ambry Variant Classification Scheme 2023. Collection method: clinical testing. Allele origin: germline.
Comment: The p.G400W variant (also known as c.1198G>T), located in coding exon 10 of the CHEK2 gene, results from a G to T substitution at nucleotide position 1198. The glycine at codon 400 is replaced by tryptophan, an amino acid with highly dissimilar properties. This amino acid position is well conserved in available vertebrate species. In addition, the in silico prediction for this alteration is inconclusive. Based on the available evidence, the clinical significance of this variant remains unclear.

GeneDx
Classification: Uncertain significance. Last evaluated: 2021-04-26. Review status: criteria provided, single submitter. Criteria: GeneDx Variant Classification Process June 2021. Collection method: clinical testing. Allele origin: germline. Affected: yes.
Comment: Not observed at a significant frequency in large population cohorts (Lek et al., 2016); In silico analysis supports that this missense variant has a deleterious effect on protein structure/function; Has not been previously published as pathogenic or benign to our knowledge

Color Diagnostics, LLC DBA Color Health
Classification: Uncertain significance for Hereditary cancer-predisposing syndrome. Last evaluated: 2019-02-28. Review status: criteria provided, single submitter. Criteria: ACMG Guidelines, 2015. Collection method: clinical testing. Allele origin: germline.

NM_007194.4(CHEK2):c.1198G>T (p.Gly400Trp)

Gene: CHEK2 (checkpoint kinase 2; minus strand). Cytogenetic location: 22q12.1.
Variant type: single nucleotide variant.
Coding change: c.1198G>T on transcript NM_007194.4 (MANE Select); coding-DNA position 1198, G replaced by T.
Protein change: p.Gly400Trp; replaces glycine 400 with tryptophan.
Molecular consequence: missense variant.
Genome position (GRCh38, 1-based): chr22:28,695,771, C>A on the plus strand (G>T on the coding strand, the complement: CHEK2 is on the minus strand). VCF-style: chr22-28695771-C-A. GRCh37 (hg19) VCF-style: chr22-29091759-C-A.
Other names: c.1327G>T, p.Gly443Trp (NM_001005735.3); c.535G>T, p.Gly179Trp (NM_001257387.3); c.997G>T, p.Gly333Trp (NM_001349956.3); c.1111G>T, p.Gly371Trp (NM_145862.3); short protein forms G400W, G333W, G371W, G179W, G443W.
Identifiers: ClinVar variation 449214 (VCV000449214.20), dbSNP rs1342820782, ClinGen allele CA411096780.